The following is an entry in ClinVar:

NM_001352027.3(PHF21A):c.1457A>G (p.Asp486Gly)

Gene: PHF21A (PHD finger protein 21A; minus strand). Cytogenetic location: 11p11.2.
Variant type: single nucleotide variant.
Coding change: c.1457A>G on transcript NM_001352027.3 (MANE Select); coding-DNA position 1457, A replaced by G.
Protein change: p.Asp486Gly; replaces aspartic acid 486 with glycine.
Molecular consequence: missense variant. On other transcripts: non-coding transcript variant (2).
Genome position (GRCh38, 1-based): chr11:45,938,308, T>C on the plus strand (A>G on the coding strand, the complement: PHF21A is on the minus strand). VCF-style: chr11-45938308-T-C. GRCh37 (hg19) VCF-style: chr11-45959859-T-C.
Other names: c.1454A>G, p.Asp485Gly (NM_001101802.3); c.1457A>G, p.Asp486Gly (NM_001352025.3, NM_001352026.3); c.1316A>G, p.Asp439Gly (NM_001352028.1, NM_001352029.1, NM_016621.5); c.1313A>G, p.Asp438Gly (NM_001352030.3, NM_001352031.3, NM_001352032.3); short protein forms D438G, D439G, D485G, D486G.
Identifiers: ClinVar variation 3706368 (VCV003706368.2).
Genomic context (GRCh38, chr11:45,938,308, plus strand): 5'-GTGTCGCACATCAGTAACTGGCCACTTTTTCTGCAAACGCTGCAAAAATCCTCATGAATA[T>C]CACCCTATAAAGTTGAGAGGAAAGGTAAGAAAAAGGACAAAAAAGGTAAAATTTTAATGT-3'
Protein context (NP_001338956.1, residues 476-496): SLPSPTSTDG[Asp486Gly]IHEDFCSVCR

ClinVar aggregate classification (germline): Uncertain significance (1 of 4 stars; one submission).

Submission:

Labcorp Genetics (formerly Invitae), Labcorp
Classification: Uncertain significance. Last evaluated: 2024-12-24. Review status: criteria provided, single submitter. Criteria: Invitae Variant Classification Sherloc (09022015). Collection method: clinical testing. Allele origin: germline.
Comment: This sequence change replaces aspartic acid, which is acidic and polar, with glycine, which is neutral and non-polar, at codon 485 of the PHF21A protein (p.Asp485Gly). This variant is not present in population databases (gnomAD no frequency). This variant has not been reported in the literature in individuals affected with PHF21A-related conditions. Invitae Evidence Modeling of protein sequence and biophysical properties (such as structural, functional, and spatial information, amino acid conservation, physicochemical variation, residue mobility, and thermodynamic stability) has been performed for this missense variant. However, the output from this modeling did not meet the statistical confidence thresholds required to predict the impact of this variant on PHF21A protein function. In summary, the available evidence is currently insufficient to determine the role of this variant in disease. Therefore, it has been classified as a Variant of Uncertain Significance.